The following is an entry in ClinVar:

NM_000465.4(BARD1):c.364+7A>G

Gene: BARD1 (BRCA1 associated RING domain 1; minus strand). Cytogenetic location: 2q35.
Variant type: single nucleotide variant.
Coding change: c.364+7A>G on transcript NM_000465.4 (MANE Select); 7 bases into the intron after coding-DNA position 364, A replaced by G.
Molecular consequence: intron variant.
Genome position (GRCh38, 1-based): chr2:214,792,290, T>C on the plus strand (A>G on the coding strand, the complement: BARD1 is on the minus strand). VCF-style: chr2-214792290-T-C. GRCh37 (hg19) VCF-style: chr2-215657014-T-C.
Other names: c.158+17122A>G (NM_001282548.2); c.307+7A>G (NM_001282543.2); c.215+4771A>G (NM_001282545.2); c.364+7A>G (NM_001282549.2).
Identifiers: ClinVar variation 758918 (VCV000758918.11), dbSNP rs1475396127, ClinGen allele CA764553006.
Genomic context (GRCh38, chr2:214,792,290, plus strand): 5'-TTATGAATATGAATTCATCAGTTTTTAACTGATGAATTTAACTAAGAGAGATAGGGATAG[T>C]TCTTACCTGACAGCTCATTGTCATGTAGCAAATTTCGAAGCTTACTACAAAGTTGAATCA-3'

ClinVar aggregate classification (germline): Conflicting classifications of pathogenicity. Review status: criteria provided, conflicting classifications (1 of 4 stars). 3 submissions from 3 submitters: Uncertain significance (1); Likely benign (2). Last evaluated 2025-05-22.

Conditions:
Familial cancer of breast. Also called: Hereditary breast cancer; BREAST CANCER, FAMILIAL; hereditary breast carcinoma. Identifiers: Orphanet 227535, MedGen C0346153, MONDO:0016419, OMIM 114480. Disease mechanism: loss of function.

Allele frequency attached by ClinVar (database versions not stated): gnomAD exomes below 0.00001; TOPMed below 0.00001.
gnomAD v4.1: 1 of 1,613,076 alleles (0.000062%); highest among the groups gnomAD compares: East Asian, 0.0022%; no homozygotes.

Submissions (3):

Labcorp Genetics (formerly Invitae), Labcorp
Classification: Likely benign for Familial cancer of breast. Last evaluated: 2025-05-22. Review status: criteria provided, single submitter. Criteria: Invitae Variant Classification Sherloc (09022015). Collection method: clinical testing. Allele origin: germline.

Myriad Genetics, Inc.
Classification: Likely benign for Familial cancer of breast. Last evaluated: 2024-07-19. Review status: criteria provided, single submitter. Criteria: Myriad Autosomal Dominant, Autosomal Recessive and X-Linked Classification Criteria (2023). Collection method: clinical testing. Allele origin: unknown.
Comment: This variant is considered likely benign. This variant is intronic and is not expected to impact mRNA splicing.

Quest Diagnostics Nichols Institute San Juan Capistrano
Classification: Uncertain significance. Last evaluated: 2024-05-31. Review status: criteria provided, single submitter. Criteria: Quest Diagnostics criteria. Collection method: clinical testing. Allele origin: unknown.
Comment: The BARD1 c.364+7A>G variant has not been reported in individuals with BARD1-related conditions in the published literature. It also has not been reported in large, multi-ethnic general populations (Genome Aggregation Database). Analysis of this variant using software algorithms for the prediction of the effect of nucleotide changes on splicing yielded predictions that this variant does not affect BARD1 mRNA splicing. Based on the available information, we are unable to determine the clinical significance of this variant.